The following is an entry in ClinVar:

NM_000045.4(ARG1):c.912C>T (p.Phe304=)

Genes: ARG1 (arginase 1; plus strand), MED23 (mediator complex subunit 23; minus strand). Cytogenetic location: 6q23.2.
Variant type: single nucleotide variant.
Coding change: c.912C>T on transcript NM_000045.4 (MANE Select); coding-DNA position 912, C replaced by T.
Protein change: p.Phe304=; no amino-acid change (phenylalanine 304 retained).
Molecular consequence: synonymous variant. On other transcripts: non-coding transcript variant (1), intron variant (2).
Genome position (GRCh38, 1-based): chr6:131,583,851, C>T. VCF-style: chr6-131583851-C-T. GRCh37 (hg19) VCF-style: chr6-131904991-C-T.
Other names: c.936C>T, p.Phe312= (NM_001244438.2); c.657C>T, p.Phe219= (NM_001369020.1); c.4077+3858G>A (NM_001270521.2); c.4095+3858G>A (NM_015979.4).
Identifiers: ClinVar variation 513240 (VCV000513240.16), dbSNP rs373480378, ClinGen allele CA3999407.

ClinVar aggregate classification (germline): Benign/Likely benign. Review status: criteria provided, multiple submitters, no conflicts (2 of 4 stars). 4 submissions from 4 submitters: Benign (1); Likely benign (3). Last evaluated 2026-01-12.

Conditions:
Arginase deficiency. Also called: ARGININEMIA; ARG1 DEFICIENCY; Arginase 1 Deficiency. Identifiers: Orphanet 90, MedGen C0268548, MONDO:0008814, OMIM 207800.

Allele frequency attached by ClinVar (database versions not stated): 1000 Genomes Project 0.00060; gnomAD 0.00002 and 0.00014; ESP Exome Variant Server 0.00008; ExAC 0.00068; TOPMed 0.00005; 1000 Genomes Project 30x 0.00047; gnomAD exomes 0.00063.
gnomAD v4.1: 504 of 1,614,104 alleles (0.031%); highest among the groups gnomAD compares: South Asian, 0.5%; 5 homozygotes.

Submissions (4):

Labcorp Genetics (formerly Invitae), Labcorp
Classification: Benign for Arginase deficiency. Last evaluated: 2026-01-12. Review status: criteria provided, single submitter. Criteria: Invitae Variant Classification Sherloc (09022015). Collection method: clinical testing. Allele origin: germline.

Blueprint Genetics
Classification: Likely benign. Last evaluated: 2024-07-15. Review status: criteria provided, single submitter. Criteria: ACMG Guidelines, 2015. Collection method: clinical testing. Allele origin: germline.

Illumina Laboratory Services, Illumina
Classification: Likely benign for Arginase deficiency. Last evaluated: 2018-01-13. Review status: criteria provided, single submitter. Criteria: ICSL Variant Classification Criteria 13 December 2019. Collection method: clinical testing. Allele origin: germline.
Comment: This variant was observed in the ICSL laboratory as part of a predisposition screen in an ostensibly healthy population. It had not been previously curated by ICSL or reported in the Human Gene Mutation Database (HGMD: prior to June 1st, 2018), and was therefore a candidate for classification through an automated scoring system. Utilizing variant allele frequency, disease prevalence and penetrance estimates, and inheritance mode, an automated score was calculated to assess if this variant is too frequent to cause the disease. Based on the score and internal cut-off values, a variant classified as likely benign is not then subjected to further curation. The score for this variant resulted in a classification of likely benign for this disease.

GeneDx
Classification: Likely benign. Last evaluated: 2017-12-04. Review status: criteria provided, single submitter. Criteria: GeneDx Variant Classification (06012015). Collection method: clinical testing. Allele origin: germline. Affected: yes.
Comment: This variant is considered likely benign or benign based on one or more of the following criteria: it is a conservative change, it occurs at a poorly conserved position in the protein, it is predicted to be benign by multiple in silico algorithms, and/or has population frequency not consistent with disease.